The following is an entry in ClinVar:

ClinVar aggregate classification (germline): Pathogenic/Likely pathogenic. Review status: criteria provided, multiple submitters, no conflicts (2 of 4 stars). 8 submissions from 8 submitters: Pathogenic (1); Likely pathogenic (4). 3 of the submissions do not count toward it. Last evaluated 2026-05-15.

Conditions:
Usher syndrome. Also called: Usher Syndromes; Usher's syndrome. Identifiers: Orphanet 886, MedGen CN469326, MeSH D052245, MONDO:0019501. Disease mechanism: loss of function.
MYO7A-related disorder. Also called: MYO7A-related disorders.
Autosomal dominant nonsyndromic hearing loss 11. Identifiers: Orphanet 90635, MedGen C1832475, MONDO:0011032, OMIM 601317.
Autosomal recessive nonsyndromic hearing loss 2. Also called: NEUROSENSORY NONSYNDROMIC RECESSIVE DEAFNESS 2; DEAFNESS, AUTOSOMAL RECESSIVE 2. Identifiers: Orphanet 90636, MedGen C1838701, MONDO:0010807, OMIM 600060.
Usher syndrome type 1 (USH1). Also called: RETINITIS PIGMENTOSA AND CONGENITAL DEAFNESS. Identifiers: Orphanet 231169, Orphanet 886, MedGen C1568247, MONDO:0010168, OMIM 276900.
Hearing loss, autosomal recessive. Also called: Deafness, autosomal recessive; Rare autosomal recessive non-syndromic sensorineural deafness type DFNB; Autosomal recessive nonsyndromic deafness; Nonsyndromic Hearing Loss, Recessive. Identifiers: Orphanet 90635, Orphanet 90636, MedGen C1846647, MONDO:0019588, OMIM 607197.
Intellectual disability. Also called: Intellectual developmental disorder; intellectual disabilities; Intellectual functioning disability. Identifiers: HP:0002122, MedGen C3714756, MeSH D008607, MONDO:0001071.

Allele frequency attached by ClinVar (database versions not stated): ExAC 0.00001; gnomAD exomes 0.00002.
gnomAD v4.1: 14 of 1,609,010 alleles (0.00087%); highest among the groups gnomAD compares: South Asian, 0.016%; no homozygotes.

Submissions (8):

Women's Health and Genetics/Laboratory Corporation of America, LabCorp
Classification: Likely pathogenic for Usher syndrome. Last evaluated: 2026-05-15. Review status: criteria provided, single submitter. Criteria: LabCorp Variant Classification Summary - May 2015. Collection method: clinical testing. Allele origin: germline.
Comment: Variant summary: MYO7A c.20G>T (p.Gly7Val) results in a non-conservative amino acid change in the encoded protein sequence. Algorithms developed to predict the effect of missense changes on protein structure and function all suggest that this variant is likely to be disruptive. Consensus agreement among computation tools predict no significant impact on normal splicing. However, these predictions have yet to be confirmed by functional studies. The variant allele was found at a frequency of 1.7e-05 in 240562 control chromosomes. c.20G>T has been observed in compound heterozygous state with segregation in individuals from one family affected with Usher Syndrome (Richard_2019). These data indicate that the variant is likely to be associated with disease. To our knowledge, no experimental evidence demonstrating an impact on protein function has been reported. The following publication have been ascertained in the context of this evaluation (PMID: 30303587). ClinVar contains an entry for this variant (Variation ID: 562084). Based on the evidence outlined above, the variant was classified as likely pathogenic.

Dasa
Classification: Likely pathogenic. Last evaluated: 2025-03-20. Review status: criteria provided, single submitter. Criteria: DASA Assertion Criteria. Collection method: clinical testing. Allele origin: germline.
Comment: NM_000260.4(MYO7A):c.20G>T (p.Gly7Val) is a missense variant that results in the substitution of glycine with valine. Segregation data support an association with disease in the reported family/families. This variant has been observed in affected individuals with MYO7A-related disorders. Also, this variant is rare in population databases. Computational evidence supports a deleterious effect. Based on the currently available evidence, this variant is classified as likely pathogenic.

Labcorp Genetics (formerly Invitae), Labcorp
Classification: Pathogenic. Last evaluated: 2024-12-03. Review status: criteria provided, single submitter. Criteria: Invitae Variant Classification Sherloc (09022015). Collection method: clinical testing. Allele origin: germline.
Comment: This sequence change replaces glycine, which is neutral and non-polar, with valine, which is neutral and non-polar, at codon 7 of the MYO7A protein (p.Gly7Val). This variant is present in population databases (rs781989117, gnomAD 0.01%). This missense change has been observed in individual(s) with autosomal recessive deafness (PMID: 30303587). It has also been observed to segregate with disease in related individuals. ClinVar contains an entry for this variant (Variation ID: 562084). An algorithm developed to predict the effect of missense changes on protein structure and function (PolyPhen-2) suggests that this variant is likely to be disruptive. For these reasons, this variant has been classified as Pathogenic.

Fulgent Genetics
Classification: Likely pathogenic for Usher syndrome type 1; Autosomal recessive nonsyndromic hearing loss 2; Autosomal dominant nonsyndromic hearing loss 11. Last evaluated: 2024-04-10. Review status: criteria provided, single submitter. Criteria: ACMG Guidelines, 2015. Collection method: clinical testing. Allele origin: germline.

Blueprint Genetics
Classification: Likely pathogenic for MYO7A-related disorders. Last evaluated: 2022-09-02. Review status: criteria provided, single submitter. Criteria: ACMG Guidelines, 2015. Collection method: clinical testing. Allele origin: germline. Affected: yes. Observed: 4 variant alleles.

National Institute on Deafness and Communication Disorders, National Institutes of Health
Classification: Pathogenic for Autosomal recessive nonsyndromic hearing loss 2. Last evaluated: 2018-07-05. Review status: no assertion criteria provided. Collection method: research. Allele origin: germline. Affected: yes. Observed: 1 compound heterozygote. Segregation with disease observed. Not counted in ClinVar's aggregate classification.

University of Washington Center for Mendelian Genomics, University of Washington
Classification: Likely pathogenic for non-syndromic autosomal recessive hearing loss. Review status: no assertion criteria provided. Collection method: research. Allele origin: inherited. Affected: yes. Not counted in ClinVar's aggregate classification.

Cambridge Genomics Laboratory, East Genomic Laboratory Hub, NHS Genomic Medicine Service
Classification: Uncertain significance for Intellectual disability. Last evaluated: 2019-04-17. Review status: flagged submission. Criteria: ACGS Best Practice Guidelines for Variant Classification in Rare Disease 2020. Collection method: clinical testing. Allele origin: germline. Affected: yes. Observed: 1 variant allele. Not counted in ClinVar's aggregate classification.
ClinVar note: Reason: Outlier claim with insufficient supporting evidence

Literature cited by the submitters: PubMed 30303587 (cited by 3 submitters).

NM_000260.4(MYO7A):c.20G>T (p.Gly7Val)

Gene: MYO7A (myosin VIIA; plus strand). Cytogenetic location: 11q13.5.
Variant type: single nucleotide variant.
Coding change: c.20G>T on transcript NM_000260.4 (MANE Select); coding-DNA position 20, G replaced by T.
Protein change: p.Gly7Val; replaces glycine 7 with valine.
Molecular consequence: missense variant. On other transcripts: 5 prime UTR variant (1).
Genome position (GRCh38, 1-based): chr11:77,142,710, G>T. VCF-style: chr11-77142710-G-T. GRCh37 (hg19) VCF-style: chr11-76853756-G-T.
Other names: c.20G>T, p.Gly7Val (NM_001127180.2); c.-14G>T (NM_001369365.1); short protein forms G7V.
Identifiers: ClinVar variation 562084 (VCV000562084.20), dbSNP rs781989117, ClinGen allele CA6197007.